The following is an entry in ClinVar:

NM_000719.7(CACNA1C):c.5492C>G (p.Thr1831Arg)

Genes: CACNA1C (calcium voltage-gated channel subunit alpha1 C; plus strand), CACNA1C-AS1 (CACNA1C antisense RNA 1; minus strand). Cytogenetic location: 12p13.33.
Variant type: single nucleotide variant.
Coding change: c.5492C>G on transcript NM_000719.7 (MANE Select); coding-DNA position 5492, C replaced by G.
Protein change: p.Thr1831Arg; replaces threonine 1831 with arginine.
Molecular consequence: missense variant.
Genome position (GRCh38, 1-based): chr12:2,682,597, C>G. VCF-style: chr12-2682597-C-G. GRCh37 (hg19) VCF-style: chr12-2791763-C-G.
Other names: c.5636C>G, p.Thr1879Arg (NM_001129827.2); c.5615C>G, p.Thr1872Arg (NM_001129829.2); c.5597C>G, p.Thr1866Arg (NM_001129830.3, NM_001167624.3); c.5576C>G, p.Thr1859Arg (NM_001129831.2); c.5552C>G, p.Thr1851Arg (NM_001129832.2); c.5549C>G, p.Thr1850Arg (NM_001129833.2, NM_001129834.2, NM_001129835.2); c.5543C>G, p.Thr1848Arg (NM_001129836.2); c.5516C>G, p.Thr1839Arg (NM_001129837.2, NM_001129838.2); and 6 more; short protein forms T1820R, T1828R, T1831R, T1837R, T1839R, T1848R, T1850R, T1851R.
Identifiers: ClinVar variation 4797343 (VCV004797343.1).

ClinVar aggregate classification (germline): Uncertain significance (1 of 4 stars; one submission).

Conditions:
Long QT syndrome (LQTS). Identifiers: MedGen C0023976, MeSH D008133, MONDO:0002442. Disease mechanism: loss of function. Inheritance: Various modes of inheritance.

Submission:

Labcorp Genetics (formerly Invitae), Labcorp
Classification: Uncertain significance for Long QT syndrome. Last evaluated: 2025-06-11. Review status: criteria provided, single submitter. Criteria: Invitae Variant Classification Sherloc (09022015). Collection method: clinical testing. Allele origin: germline.
Comment: This sequence change replaces threonine, which is neutral and polar, with arginine, which is basic and polar, at codon 1831 of the CACNA1C protein (p.Thr1831Arg). This variant is not present in population databases (gnomAD no frequency). This variant has not been reported in the literature in individuals affected with CACNA1C-related conditions. Invitae Evidence Modeling of protein sequence and biophysical properties (such as structural, functional, and spatial information, amino acid conservation, physicochemical variation, residue mobility, and thermodynamic stability) indicates that this missense variant is not expected to disrupt CACNA1C protein function with a negative predictive value of 95%. In summary, the available evidence is currently insufficient to determine the role of this variant in disease. Therefore, it has been classified as a Variant of Uncertain Significance.